The following is an entry in ClinVar:

ClinVar aggregate classification (germline): Uncertain significance (1 of 4 stars; one submission).

Conditions:
Dilated cardiomyopathy 1JJ (CMD1JJ). Identifiers: Orphanet 154, MedGen C3808935, MONDO:0014095, OMIM 615235.

Allele frequency attached by ClinVar (database versions not stated): gnomAD exomes below 0.00001; TOPMed below 0.00001.
gnomAD v4.1: 1 of 1,613,572 alleles (0.000062%); highest among the groups gnomAD compares: Non-Finnish European, 0.000085%; no homozygotes.

Submission:

Labcorp Genetics (formerly Invitae), Labcorp
Classification: Uncertain significance for Dilated cardiomyopathy 1JJ. Last evaluated: 2024-12-23. Review status: criteria provided, single submitter. Criteria: Invitae Variant Classification Sherloc (09022015). Collection method: clinical testing. Allele origin: germline.
Comment: This sequence change replaces alanine, which is neutral and non-polar, with glutamic acid, which is acidic and polar, at codon 1183 of the LAMA4 protein (p.Ala1183Glu). This variant is present in population databases (no rsID available, gnomAD 0.0009%). This variant has not been reported in the literature in individuals affected with LAMA4-related conditions. ClinVar contains an entry for this variant (Variation ID: 2191951). Invitae Evidence Modeling of protein sequence and biophysical properties (such as structural, functional, and spatial information, amino acid conservation, physicochemical variation, residue mobility, and thermodynamic stability) indicates that this missense variant is not expected to disrupt LAMA4 protein function with a negative predictive value of 80%. In summary, the available evidence is currently insufficient to determine the role of this variant in disease. Therefore, it has been classified as a Variant of Uncertain Significance.

NM_001105206.3(LAMA4):c.3569C>A (p.Ala1190Glu)

Gene: LAMA4 (laminin subunit alpha 4; minus strand). Cytogenetic location: 6q21.
Variant type: single nucleotide variant.
Coding change: c.3569C>A on transcript NM_001105206.3 (MANE Select); coding-DNA position 3569, C replaced by A.
Protein change: p.Ala1190Glu; replaces alanine 1190 with glutamic acid.
Molecular consequence: missense variant.
Genome position (GRCh38, 1-based): chr6:112,133,476, G>T on the plus strand (C>A on the coding strand, the complement: LAMA4 is on the minus strand). VCF-style: chr6-112133476-G-T. GRCh37 (hg19) VCF-style: chr6-112454678-G-T.
Other names: c.3548C>A, p.Ala1183Glu (NM_001105207.3, NM_002290.5); short protein forms A1183E, A1190E.
Identifiers: ClinVar variation 2191951 (VCV002191951.4), dbSNP rs1554330594, ClinGen allele CA365375766.
Genomic context (GRCh38, chr6:112,133,476, plus strand): 5'-TTCTTTTGGAACTGGAAGCCCTTCATGCATCCTCTGAAGTTGATATCTAGGGGAAGGTGT[G>T]CTCTGAGGGCCCTGGAAAAGAAAGTCAGCCTCACTGATACAGCCATGATGATGATGTTAC-3'
Protein context (NP_001098676.2, residues 1180-1200): PEILQSRALR[Ala1190Glu]HLPLDINFRG